The following is an entry in ClinVar:

ClinVar aggregate classification (germline): Conflicting classifications of pathogenicity. Review status: criteria provided, conflicting classifications (1 of 4 stars). 9 submissions from 8 submitters: Likely pathogenic (3); Uncertain significance (4). 2 of the submissions do not count toward it. Last evaluated 2025-09-23.

Conditions:
Chondrodysplasia punctata, brachytelephalangic, autosomal. Also called: BRACHYTELEPHALANGIC CHONDRODYSPLASIA PUNCTATA. Identifiers: MedGen C1844853, MONDO:0011238, OMIM 602497.
ARSL-related disorder. Also called: ARSL-related condition.
Coffin-Siris syndrome 1 (CSS1). Also called: ARID1B-Related Coffin-Siris Syndrome; Mental retardation, autosomal dominant 12. Identifiers: Orphanet 1465, MedGen C3281201, MONDO:0007617, OMIM 135900. Disease mechanism: gain of function.
X-linked chondrodysplasia punctata 1 (CDPX1). Also called: CHONDRODYSPLASIA PUNCTATA, BRACHYTELEPHALANGIC; Chondrodysplasia punctata, X-linked recessive. Identifiers: Orphanet 79345, MedGen C3669395, MONDO:0010555, OMIM 302950.

Allele frequency attached by ClinVar (database versions not stated): TOPMed 0.00013; gnomAD exomes 0.00015 and 0.00013; ExAC 0.00009; gnomAD 0.00009.
gnomAD v4.1: 188 of 1,208,664 alleles (0.016%); highest among the groups gnomAD compares: Middle Eastern, 0.023%; no homozygotes.

Submissions (9):

Victorian Clinical Genetics Services, Murdoch Childrens Research Institute
Classification: Uncertain significance for X-linked chondrodysplasia punctata 1. Last evaluated: 2025-09-23. Review status: criteria provided, single submitter. Criteria: ACMG Guidelines, 2015. Collection method: clinical testing. Allele origin: germline. Affected: yes.
Comment: This variant is classified as VUS-3B. Evidence in support of pathogenic classification: Variant is present in gnomAD <0.01 for a recessive condition (v4: 122 heterozygote(s), 0 homozygote(s), 66 hemizygote(s)); Moderate functional evidence supporting abnormal protein function. Functional analysis of transfected COS-7 cells found mutant protein had negligible enzyme activity (PMID: 23470839) - Another missense variant comparable to the one identified in this case has limited previous evidence for pathogenicity. Missense variant predicted to be damaging by in silico tool(s) or highly conserved with a major amino acid change. Additional information: Variant is predicted to result in a missense amino acid change from Gly to Ala; This variant is heterozygous; This gene is associated with X-linked recessive disease; Alternative amino acid change(s) at the same position are present in gnomAD (Highest allele count: v4: 1 heterozygote(s), 0 homozygote(s), 1 hemizygote(s)); Previous reports of pathogenicity for this variant are conflicting. This variant has been classified as pathogenic or as a VUS by clinical laboratories in ClinVar. It has also been reported in hemizygous patients with chondrodysplasia punctata (PMIDs: 23470839, 18348268, 9863597, 32523032). However, the variant was also reported to be hemizygous in the asymptomatic grandfather of one individual (PMID: 9863597); Variant is located in the annotated sulfatase domain (DECIPHER); Loss of function is a known mechanism of disease in this gene and is associated with chondrodysplasia punctata, X-linked recessive (MIM#302950).

GeneDx
Classification: Likely pathogenic. Last evaluated: 2025-08-06. Review status: criteria provided, single submitter. Criteria: GeneDx Variant Classification Process June 2021. Collection method: clinical testing. Allele origin: germline. Affected: yes.
Comment: Identified in unrelated male patients with clinical features of chondrodysplasia punctata; however, in one family, the variant was also identified in a clinically unaffected mother and maternal grandfather, suggesting possible reduced penetrance of this variant (PMID: 18348268, 9863597); Published functional studies demonstrate reduced ARSL activity (PMID: 23470839); In silico analysis supports that this missense variant has a deleterious effect on protein structure/function; This variant is associated with the following publications: (PMID: 7720070, 24645908, 24033266, 28654958, 34426522, 9863597, 34697415, 29565423, 20301713, 23470839, 18348268)

Labcorp Genetics (formerly Invitae), Labcorp
Classification: Uncertain significance for Chondrodysplasia punctata, brachytelephalangic, autosomal. Last evaluated: 2025-05-09. Review status: criteria provided, single submitter. Criteria: Invitae Variant Classification Sherloc (09022015). Collection method: clinical testing. Allele origin: germline.
Comment: This sequence change replaces glycine, which is neutral and non-polar, with alanine, which is neutral and non-polar, at codon 137 of the ARSE protein (p.Gly137Ala). This variant is present in population databases (rs80338711, gnomAD 0.02%). This missense change has been observed in individuals with X-linked chondrodysplasia punctata (PMID: 9863597, 18348268). ClinVar contains an entry for this variant (Variation ID: 21033). Invitae Evidence Modeling of protein sequence and biophysical properties (such as structural, functional, and spatial information, amino acid conservation, physicochemical variation, residue mobility, and thermodynamic stability) indicates that this missense variant is not expected to disrupt ARSE protein function with a negative predictive value of 80%. Experimental studies have shown that this missense change affects ARSE function (PMID: 23470839). This variant disrupts the p.Gly137 amino acid residue in ARSE. Other variant(s) that disrupt this residue have been observed in individuals with ARSE-related conditions (PMID: 7720070), which suggests that this may be a clinically significant amino acid residue. In summary, the available evidence is currently insufficient to determine the role of this variant in disease. Therefore, it has been classified as a Variant of Uncertain Significance.

Laboratorio de Genetica e Diagnostico Molecular, Hospital Israelita Albert Einstein
Classification: Uncertain significance for X-linked chondrodysplasia punctata 1. Last evaluated: 2024-11-18. Review status: criteria provided, single submitter. Criteria: ACMG Guidelines, 2015. Collection method: clinical testing. Allele origin: germline. Affected: yes.
Comment: ACMG classification criteria: PS3 supporting, PP3 supporting

Women's Health and Genetics/Laboratory Corporation of America, LabCorp
Classification: Likely pathogenic for Chondrodysplasia punctata, brachytelephalangic, autosomal. Last evaluated: 2024-03-27. Review status: criteria provided, single submitter. Criteria: LabCorp Variant Classification Summary - May 2015. Collection method: clinical testing. Allele origin: germline.
Comment: Variant summary: ARSL c.410G>C (p.Gly137Ala) results in a non-conservative amino acid change located in the Sulfatase, N-terminal domain (IPR000917) of the encoded protein sequence. Five of five in-silico tools predict a damaging effect of the variant on protein function. The variant allele was found at a frequency of 0.00013 in 205545 control chromosomes (gnomAD). c.410G>C has been reported in the literature in individuals affected with Chondrodysplasia Punctata 1, X-Linked Recessive (Sheffield_1998, Nino_2008). These data indicate that the variant may be associated with disease. At least one publication reports experimental evidence evaluating an impact on protein function (Matos-Miranda_2013). The most pronounced variant effect results in 10%-<30% of normal activity. The following publications have been ascertained in the context of this evaluation (PMID: 9863597, 18348268, 23470839, 34697415). ClinVar contains an entry for this variant (Variation ID: 21033). Based on the evidence outlined above, the variant was classified as likely pathogenic.

Women's Health and Genetics/Laboratory Corporation of America, LabCorp
Classification: Likely pathogenic for Coffin-Siris syndrome 1. Last evaluated: 2024-03-27. Review status: criteria provided, single submitter. Criteria: LabCorp Variant Classification Summary - May 2015. Collection method: clinical testing. Allele origin: germline.
Comment: Variant summary: ARID1B c.410G>C (p.Gly137Ala) results in a non-conservative amino acid change in the encoded protein sequence. Two of three in-silico tools predict a damaging effect of the variant on protein function. The variant was absent in 137314 control chromosomes. The available data on variant occurrences in the general population are insufficient to allow any conclusion about variant significance. To our knowledge, no occurrence of c.410G>C in individuals affected with Coffin-Siris Syndrome 1 and no experimental evidence demonstrating its impact on protein function have been reported. No submitters have cited clinical-significance assessments for this variant to ClinVar. Based on the evidence outlined above, the variant was classified as uncertain significance.

Laboratory for Molecular Medicine, Mass General Brigham Personalized Medicine
Classification: Uncertain significance. Last evaluated: 2013-08-08. Review status: criteria provided, single submitter. Criteria: LMM Criteria. Collection method: clinical testing. Allele origin: germline. Inheritance: X-linked inheritance. Observed: 2 variant alleles. Study: CSER-MedSeq.
Comment: Variants in a paralogous gene (ARSB) at the same position have also been identified in an individual with Maroteux-Lamy syndrome, which also features skeletal abnormalities (Franco 1995). Functional studies indicate that the Gly137Ala variant leads to reduced ARSE activity (Matos-Miranda 2013). In summary, although some data support a disease-causing role, there is currently insufficient evidence for pathogenicity leading to a current classification of uncertain significance.

PreventionGenetics, part of Exact Sciences
Classification: Uncertain significance for ARSL-related condition. Last evaluated: 2024-01-15. Review status: no assertion criteria provided. Collection method: clinical testing. Allele origin: germline. Not counted in ClinVar's aggregate classification.
Comment: The ARSL c.410G>C variant is predicted to result in the amino acid substitution p.Gly137Ala. This variant has been previously reported in individuals with mild or a suspected diagnosis of chondrodysplasia punctata (Sheffield et al. 1998. PubMed ID: 9863597; Nino et al. 2008. PubMed ID: 18348268). In one study the variant was also found in proband's asymptomatic maternal grandfather and his carrier mother (Sheffield et al. 1998. PubMed ID: 9863597), which can be suggestive of reduced penetrance. In vitro functional studies found that over a specific time course this variant had negligible activity compared to wild type allele (Matos-Miranda et al. 2013. PubMed ID: 23470839). This variant is reported in 0.020% of alleles in individuals of European (Non-Finnish) descent in gnomAD, including ten hemizygous alleles. At this time, the clinical significance of this variant is uncertain due to the absence of conclusive functional and genetic evidence.

GeneReviews
No classification provided. Condition: X-linked chondrodysplasia punctata 1. Review status: no classification provided. Collection method: literature only. Allele origin: unknown. Not counted in ClinVar's aggregate classification.

Literature cited by the submitters: PubMed 9863597 (cited by 5 submitters); PubMed 7720070 (cited by 3 submitters); PubMed 23470839 (cited by 4 submitters); PubMed 18348268 (cited by 5 submitters); PubMed 32523032 (cited by Victorian Clinical Genetics Services, Murdoch Childrens Research Institute); PubMed 34697415 (cited by Women's Health and Genetics/Laboratory Corporation of America, LabCorp); PubMed 20301713 (cited by GeneReviews); NCBI Bookshelf NBK1544 (cited by GeneReviews).

NM_000047.3(ARSL):c.410G>C (p.Gly137Ala)

Gene: ARSL (arylsulfatase L; minus strand). Cytogenetic location: Xp22.33.
Variant type: single nucleotide variant.
Coding change: c.410G>C on transcript NM_000047.3 (MANE Select); coding-DNA position 410, G replaced by C.
Protein change: p.Gly137Ala; replaces glycine 137 with alanine.
Molecular consequence: missense variant.
Genome position (GRCh38, 1-based): chrX:2,953,163, C>G on the plus strand (G>C on the coding strand, the complement: ARSL is on the minus strand). VCF-style: chrX-2953163-C-G. GRCh37 (hg19) VCF-style: chrX-2871204-C-G.
Other names: c.485G>C, p.Gly162Ala (NM_001282628.2, NM_001369080.1); c.248G>C, p.Gly83Ala (NM_001282631.2); c.437G>C, p.Gly146Ala (NM_001369079.1); short protein forms G137A, G83A, G146A, G162A.
Identifiers: ClinVar variation 21033 (VCV000021033.27), dbSNP rs80338711, ClinGen allele CA199153.